The following is an entry in ClinVar:

NM_006231.4(POLE):c.2569T>G (p.Leu857Val)

Gene: POLE (DNA polymerase epsilon, catalytic subunit; minus strand). Cytogenetic location: 12q24.33.
Variant type: single nucleotide variant.
Coding change: c.2569T>G on transcript NM_006231.4 (MANE Select); coding-DNA position 2569, T replaced by G.
Protein change: p.Leu857Val; replaces leucine 857 with valine.
Molecular consequence: missense variant.
Genome position (GRCh38, 1-based): chr12:132,664,141, A>C on the plus strand (T>G on the coding strand, the complement: POLE is on the minus strand). VCF-style: chr12-132664141-A-C. GRCh37 (hg19) VCF-style: chr12-133240727-A-C.
Other names: short protein forms L857V.
Identifiers: ClinVar variation 2601291 (VCV002601291.5), dbSNP rs763456552, ClinGen allele CA387395937.

ClinVar aggregate classification (germline): Uncertain significance. Review status: criteria provided, multiple submitters, no conflicts (2 of 4 stars). 2 submissions from 2 submitters: Uncertain significance (2). Last evaluated 2025-09-12.

Conditions:
Hereditary cancer-predisposing syndrome. Also called: Tumor predisposition; Hereditary Cancer Syndrome; Hereditary neoplastic syndrome; Neoplastic Syndromes, Hereditary. Identifiers: Orphanet 140162, MedGen C0027672, MeSH D009386, MONDO:0015356.

Submissions (2):

Ambry Genetics
Classification: Uncertain significance for Hereditary cancer-predisposing syndrome. Last evaluated: 2025-09-12. Review status: criteria provided, single submitter. Criteria: Ambry Variant Classification Scheme 2023. Collection method: clinical testing. Allele origin: germline.
Comment: The p.L857V variant (also known as c.2569T>G), located in coding exon 23 of the POLE gene, results from a T to G substitution at nucleotide position 2569. The leucine at codon 857 is replaced by valine, an amino acid with highly similar properties. This amino acid position is conserved. In addition, the in silico prediction for this alteration is inconclusive. Since supporting evidence is limited at this time, the clinical significance of this alteration remains unclear.

Labcorp Genetics (formerly Invitae), Labcorp
Classification: Uncertain significance. Last evaluated: 2024-05-26. Review status: criteria provided, single submitter. Criteria: Invitae Variant Classification Sherloc (09022015). Collection method: clinical testing. Allele origin: germline.
Comment: This sequence change replaces leucine, which is neutral and non-polar, with valine, which is neutral and non-polar, at codon 857 of the POLE protein (p.Leu857Val). This variant is not present in population databases (gnomAD no frequency). This variant has not been reported in the literature in individuals affected with POLE-related conditions. ClinVar contains an entry for this variant (Variation ID: 2601291). Advanced modeling of protein sequence and biophysical properties (such as structural, functional, and spatial information, amino acid conservation, physicochemical variation, residue mobility, and thermodynamic stability) performed at Invitae indicates that this missense variant is expected to disrupt POLE protein function with a positive predictive value of 80%. In summary, the available evidence is currently insufficient to determine the role of this variant in disease. Therefore, it has been classified as a Variant of Uncertain Significance.